The following is an entry in ClinVar:

NM_000557.5(GDF5):c.1081C>T (p.Arg361Cys)

Genes: GDF5-AS1 (GDF5 antisense RNA 1; plus strand), GDF5 (growth differentiation factor 5; minus strand). Cytogenetic location: 20q11.22.
Variant type: single nucleotide variant.
Coding change: c.1081C>T on transcript NM_000557.5 (MANE Select); coding-DNA position 1081, C replaced by T.
Protein change: p.Arg361Cys; replaces arginine 361 with cysteine.
Molecular consequence: missense variant. On other transcripts: non-coding transcript variant (1).
Genome position (GRCh38, 1-based): chr20:35,434,334, G>A on the plus strand (C>T on the coding strand, the complement: GDF5 is on the minus strand). VCF-style: chr20-35434334-G-A. GRCh37 (hg19) VCF-style: chr20-34022132-G-A.
Other names: c.1081C>T, p.Arg361Cys (NM_001319138.2); short protein forms R361C.
Identifiers: ClinVar variation 828159 (VCV000828159.7), dbSNP rs758630897, ClinGen allele CA408740137.

ClinVar aggregate classification (germline): Uncertain significance. Review status: criteria provided, multiple submitters, no conflicts (2 of 4 stars). 3 submissions from 3 submitters: Uncertain significance (2). 1 of the submissions does not count toward it. Last evaluated 2022-12-22.

Conditions:
Grebe syndrome. Also called: ACROMESOMELIC DYSPLASIA, GREBE TYPE; ACROMESOMELIC DYSPLASIA 2A; GREBE DYSPLASIA. Identifiers: Orphanet 2098, MedGen C0265260, MONDO:0008703, OMIM 200700.

Allele frequency attached by ClinVar (database versions not stated): TOPMed below 0.00001; gnomAD 0.00001.
gnomAD v4.1: 2 of 1,613,858 alleles (0.00012%); highest among the groups gnomAD compares: Non-Finnish European, 0.00017%; no homozygotes.

Submissions (3):

Labcorp Genetics (formerly Invitae), Labcorp
Classification: Uncertain significance. Last evaluated: 2022-12-22. Review status: criteria provided, single submitter. Criteria: Invitae Variant Classification Sherloc (09022015). Collection method: clinical testing. Allele origin: germline.
Comment: This variant has not been reported in the literature in individuals affected with GDF5-related conditions. In summary, the available evidence is currently insufficient to determine the role of this variant in disease. Therefore, it has been classified as a Variant of Uncertain Significance. Algorithms developed to predict the effect of missense changes on protein structure and function (SIFT, PolyPhen-2, Align-GVGD) all suggest that this variant is likely to be disruptive. ClinVar contains an entry for this variant (Variation ID: 828159). This variant is not present in population databases (gnomAD no frequency). This sequence change replaces arginine, which is basic and polar, with cysteine, which is neutral and slightly polar, at codon 361 of the GDF5 protein (p.Arg361Cys).

Baylor Genetics
Classification: Uncertain significance for Grebe syndrome. Last evaluated: 2020-05-05. Review status: criteria provided, single submitter. Criteria: ACMG Guidelines, 2015. Collection method: clinical testing. Allele origin: unknown. Affected: yes.
Comment: This variant was determined to be of uncertain significance according to ACMG Guidelines, 2015 [PMID:25741868].

Biochemical Molecular Genetic Laboratory, King Abdulaziz Medical City
Classification: Uncertain significance for Grebe syndrome. Last evaluated: 2020-02-05. Review status: no assertion criteria provided. Collection method: clinical testing. Allele origin: germline. Affected: yes. Not counted in ClinVar's aggregate classification.